The following is an entry in ClinVar:

NM_001374736.1(DST):c.20705G>A (p.Arg6902Gln)

Gene: DST (dystonin; minus strand). Cytogenetic location: 6p12.1.
Variant type: single nucleotide variant.
Coding change: c.20705G>A on transcript NM_001374736.1 (MANE Select); coding-DNA position 20705, G replaced by A.
Protein change: p.Arg6902Gln; replaces arginine 6902 with glutamine.
Molecular consequence: missense variant.
Genome position (GRCh38, 1-based): chr6:56,492,279, C>T on the plus strand (G>A on the coding strand, the complement: DST is on the minus strand). VCF-style: chr6-56492279-C-T. GRCh37 (hg19) VCF-style: chr6-56357077-C-T.
Other names: c.14348G>A, p.Arg4783Gln (NM_001144769.5); c.13934G>A, p.Arg4645Gln (NM_001144770.2); c.20705G>A, p.Arg6902Gln (NM_001374722.1); c.19745G>A, p.Arg6582Gln (NM_001374729.1); c.13487G>A, p.Arg4496Gln (NM_001374730.1); c.20732G>A, p.Arg6911Gln (NM_001374734.1); c.12836G>A, p.Arg4279Gln (NM_015548.5); c.13814G>A, p.Arg4605Gln (NM_183380.4); short protein forms R6902Q, R6911Q, R4783Q, R6582Q, R4605Q, R4279Q, R4496Q, R4645Q.
Identifiers: ClinVar variation 971104 (VCV000971104.9), dbSNP rs754316339, ClinGen allele CA3866693.

ClinVar aggregate classification (germline): Uncertain significance (1 of 4 stars; one submission).

Conditions:
Epidermolysis bullosa simplex 3, localized or generalized intermediate, with BP230 deficiency (EBS3). Also called: Epidermolysis bullosa simplex, autosomal recessive 2; Epidermolysis bullosa simplex due to BP230 deficiency. Identifiers: Orphanet 412181, MedGen C3809470, MONDO:0014180, OMIM 615425.
Hereditary sensory and autonomic neuropathy type 6. Also called: Neuropathy, hereditary sensory and autonomic, type VI; HSAN VI. Identifiers: Orphanet 314381, MedGen C3539003, MONDO:0013839, OMIM 614653.

Allele frequency attached by ClinVar (database versions not stated): TOPMed 0.00004.
gnomAD v4.1: 27 of 1,613,858 alleles (0.0017%); highest among the groups gnomAD compares: East Asian, 0.038%; no homozygotes.

Submission:

Labcorp Genetics (formerly Invitae), Labcorp
Classification: Uncertain significance for Epidermolysis bullosa simplex 3, localized or generalized intermediate, with BP230 deficiency; Hereditary sensory and autonomic neuropathy type 6. Last evaluated: 2023-08-17. Review status: criteria provided, single submitter. Criteria: Invitae Variant Classification Sherloc (09022015). Collection method: clinical testing. Allele origin: germline.
Comment: In summary, the available evidence is currently insufficient to determine the role of this variant in disease. Therefore, it has been classified as a Variant of Uncertain Significance. Experimental studies and prediction algorithms are not available or were not evaluated, and the functional significance of this variant is currently unknown. This variant has not been reported in the literature in individuals affected with DST-related conditions. This variant is present in population databases (rs754316339, gnomAD 0.1%). This sequence change replaces arginine, which is basic and polar, with glutamine, which is neutral and polar, at codon 4279 of the DST protein (p.Arg4279Gln). The DST gene has multiple clinically relevant transcripts. This variant occurs in alternate transcript NM_015548.4, and corresponds to NM_001723.5:c.*123238G>A in the primary transcript.